The following is an entry in ClinVar:

ClinVar aggregate classification (germline): Benign/Likely benign. Review status: criteria provided, multiple submitters, no conflicts (2 of 4 stars). 4 submissions from 4 submitters: Benign (1); Likely benign (3). Last evaluated 2025-03-19.

Conditions:
Hereditary cancer-predisposing syndrome. Also called: Neoplastic Syndromes, Hereditary; Tumor predisposition; Hereditary Cancer Syndrome; Hereditary neoplastic syndrome. Identifiers: Orphanet 140162, MedGen C0027672, MeSH D009386, MONDO:0015356.
Familial thoracic aortic aneurysm and aortic dissection (TAAD). Also called: Thoracic aortic aneurysms and dissections. Identifiers: Orphanet 91387, MedGen C4707243, MONDO:0019625.
Juvenile polyposis syndrome (JPS). Identifiers: Orphanet 2929, MedGen C0345893, MONDO:0017380, OMIM 174900.
Juvenile polyposis/hereditary hemorrhagic telangiectasia syndrome (JPHT). Also called: Juvenile Polyposis Syndrome / Hereditary Hemorrhagic Telangiectasia (JPS/HHT); JP/HHT SYNDROME; JUVENILE POLYPOSIS WITH HEREDITARY HEMORRHAGIC TELANGIECTASIA; POLYPOSIS, GENERALIZED JUVENILE, WITH PULMONARY ARTERIOVENOUS MALFORMATION; TELANGIECTASIA, HEREDITARY HEMORRHAGIC, WITH JUVENILE POLYPOSIS COLI. Identifiers: Orphanet 2929, MedGen C1832942, MONDO:0008278, OMIM 175050.

Allele frequency attached by ClinVar (database versions not stated): gnomAD exomes below 0.00001.
gnomAD v4.1: 1 of 1,589,394 alleles (0.000063%); highest among the groups gnomAD compares: Non-Finnish European, 0.000086%; no homozygotes.

Submissions (4):

Myriad Genetics, Inc.
Classification: Benign for Juvenile polyposis/hereditary hemorrhagic telangiectasia syndrome. Last evaluated: 2025-03-19. Review status: criteria provided, single submitter. Criteria: Myriad Autosomal Dominant, Autosomal Recessive and X-Linked Classification Criteria (2023). Collection method: clinical testing. Allele origin: unknown.
Comment: This variant is considered benign. This variant is a silent/synonymous amino acid change and it is not expected to impact splicing.

Ambry Genetics
Classification: Likely benign for Hereditary cancer-predisposing syndrome; Familial thoracic aortic aneurysm and aortic dissection. Last evaluated: 2024-11-03. Review status: criteria provided, single submitter. Criteria: Ambry Variant Classification Scheme 2023. Collection method: clinical testing. Allele origin: germline.

Labcorp Genetics (formerly Invitae), Labcorp
Classification: Likely benign for Juvenile polyposis syndrome. Last evaluated: 2024-04-17. Review status: criteria provided, single submitter. Criteria: Invitae Variant Classification Sherloc (09022015). Collection method: clinical testing. Allele origin: germline.

Color Diagnostics, LLC DBA Color Health
Classification: Likely benign for Hereditary cancer-predisposing syndrome. Last evaluated: 2021-10-01. Review status: criteria provided, single submitter. Criteria: ACMG Guidelines, 2015. Collection method: clinical testing. Allele origin: germline.

NM_005359.6(SMAD4):c.429C>T (p.Leu143=)

Gene: SMAD4 (SMAD family member 4; plus strand). Cytogenetic location: 18q21.2.
Variant type: single nucleotide variant.
Coding change: c.429C>T on transcript NM_005359.6 (MANE Select); coding-DNA position 429, C replaced by T.
Protein change: p.Leu143=; no amino-acid change (leucine 143 retained).
Molecular consequence: synonymous variant.
Genome position (GRCh38, 1-based): chr18:51,049,299, C>T. VCF-style: chr18-51049299-C-T. GRCh37 (hg19) VCF-style: chr18-48575669-C-T.
Other names: c.429C>T (NM_005359.5).
Identifiers: ClinVar variation 1666933 (VCV001666933.11), dbSNP rs979884322, ClinGen allele CA300082112.
Genomic context (GRCh38, chr18:51,049,299, plus strand): 5'-AATACTTTCATTGTAATGATTAATGTTTCATTTGTTTTCCCCTTTAAACAATTAAGATCT[C>T]TCAGGATTAACACTGCAGAGTAATGGTAGGTAATCTGTTTCTTACTACTTTCTCTTTGTT-3'
Protein context (NP_005350.1, residues 133-153): YERVVSPGID[Leu143=]SGLTLQSNAP